The following is an entry in ClinVar:

ClinVar aggregate classification (germline): Likely pathogenic (1 of 4 stars; one submission).

Submission:

Labcorp Genetics (formerly Invitae), Labcorp
Classification: Likely pathogenic. Last evaluated: 2022-08-13. Review status: criteria provided, single submitter. Criteria: Invitae Variant Classification Sherloc (09022015). Collection method: clinical testing. Allele origin: germline.
Comment: This variant is not present in population databases (gnomAD no frequency). In summary, the currently available evidence indicates that the variant is pathogenic, but additional data are needed to prove that conclusively. Therefore, this variant has been classified as Likely Pathogenic. Algorithms developed to predict the effect of missense changes on protein structure and function (SIFT, PolyPhen-2, Align-GVGD) all suggest that this variant is likely to be disruptive. This missense change has been observed in individual(s) with clinical features of GRIA1-related conditions (Invitae). In at least one individual the variant was observed to be de novo. This sequence change replaces arginine, which is basic and polar, with leucine, which is neutral and non-polar, at codon 126 of the GRIA1 protein (p.Arg126Leu).

NM_000827.4(GRIA1):c.377G>T (p.Arg126Leu)

Gene: GRIA1 (glutamate ionotropic receptor AMPA type subunit 1; plus strand). Cytogenetic location: 5q33.2.
Variant type: single nucleotide variant.
Coding change: c.377G>T on transcript NM_000827.4 (MANE Select); coding-DNA position 377, G replaced by T.
Protein change: p.Arg126Leu; replaces arginine 126 with leucine.
Molecular consequence: missense variant. On other transcripts: non-coding transcript variant (2), intron variant (1).
Genome position (GRCh38, 1-based): chr5:153,647,084, G>T. VCF-style: chr5-153647084-G-T. GRCh37 (hg19) VCF-style: chr5-153026644-G-T.
Other names: c.377G>T, p.Arg126Leu (NM_001114183.2, NM_001364165.2); c.92G>T, p.Arg31Leu (NM_001258020.2); c.407G>T, p.Arg136Leu (NM_001258021.2, NM_001258022.2); c.170G>T, p.Arg57Leu (NM_001258023.1, NM_001364167.2); c.404G>T, p.Arg135Leu (NM_001364166.2); c.221-3246G>T (NM_001258019.2); short protein forms R126L, R136L, R31L, R57L, R135L.
Identifiers: ClinVar variation 2024127 (VCV002024127.4), dbSNP rs149549228, ClinGen allele CA361905310.